The following is an entry in ClinVar:

ClinVar aggregate classification (germline): Uncertain significance (1 of 4 stars; one submission).

Conditions:
Werner syndrome (WRN). Identifiers: Orphanet 902, MedGen C0043119, MONDO:0010196, OMIM 277700.

Allele frequency attached by ClinVar (database versions not stated): ExAC 0.00001; TOPMed 0.00001; gnomAD exomes 0.00002.
gnomAD v4.1: 10 of 1,613,778 alleles (0.00062%); highest among the groups gnomAD compares: African/African-American, 0.0027%; no homozygotes.

Submission:

Labcorp Genetics (formerly Invitae), Labcorp
Classification: Uncertain significance for Werner syndrome. Last evaluated: 2023-08-27. Review status: criteria provided, single submitter. Criteria: Invitae Variant Classification Sherloc (09022015). Collection method: clinical testing. Allele origin: germline.
Comment: In summary, the available evidence is currently insufficient to determine the role of this variant in disease. Therefore, it has been classified as a Variant of Uncertain Significance. An algorithm developed to predict the effect of missense changes on protein structure and function (PolyPhen-2) suggests that this variant¬†is likely to be tolerated. ClinVar contains an entry for this variant (Variation ID: 528143). This variant has not been reported in the literature in individuals affected with WRN-related conditions. This variant is present in population databases (rs758132889, gnomAD 0.006%). This sequence change replaces arginine, which is basic and polar, with glutamine, which is neutral and polar, at codon 1406 of the WRN protein (p.Arg1406Gln).

NM_000553.6(WRN):c.4217G>A (p.Arg1406Gln)

Genes: WRN (WRN RecQ like helicase; plus strand), LOC126860342 (MED14-independent group 3 enhancer GRCh37_chr8:31029565-31030764; plus strand). Cytogenetic location: 8p12.
Variant type: single nucleotide variant.
Coding change: c.4217G>A on transcript NM_000553.6 (MANE Select); coding-DNA position 4217, G replaced by A.
Protein change: p.Arg1406Gln; replaces arginine 1406 with glutamine.
Molecular consequence: missense variant.
Genome position (GRCh38, 1-based): chr8:31,173,020, G>A. VCF-style: chr8-31173020-G-A. GRCh37 (hg19) VCF-style: chr8-31030536-G-A.
Other names: short protein forms R1406Q.
Identifiers: ClinVar variation 528143 (VCV000528143.7), dbSNP rs758132889, ClinGen allele CA4705298.